The following is an entry in ClinVar:

ClinVar aggregate classification (germline): Pathogenic (1 of 4 stars; one submission).

Allele frequency attached by ClinVar (database versions not stated): gnomAD exomes below 0.00001.
gnomAD v4.1: 1 of 1,613,506 alleles (0.000062%); highest among the groups gnomAD compares: Admixed American, 0.0017%; no homozygotes.

Submission:

Labcorp Genetics (formerly Invitae), Labcorp
Classification: Pathogenic. Last evaluated: 2021-11-07. Review status: criteria provided, single submitter. Criteria: Invitae Variant Classification Sherloc (09022015). Collection method: clinical testing. Allele origin: germline.
Comment: This sequence change creates a premature translational stop signal (p.Lys38*) in the TUBGCP6 gene. It is expected to result in an absent or disrupted protein product. Loss-of-function variants in TUBGCP6 are known to be pathogenic (PMID: 25344692). This variant is not present in population databases (gnomAD no frequency). For these reasons, this variant has been classified as Pathogenic. This variant has not been reported in the literature in individuals affected with TUBGCP6-related conditions.

Literature cited by the submitters: PubMed 25344692.

NM_020461.4(TUBGCP6):c.112A>T (p.Lys38Ter)

Gene: TUBGCP6 (tubulin gamma complex component 6; minus strand). Cytogenetic location: 22q13.33.
Variant type: single nucleotide variant.
Coding change: c.112A>T on transcript NM_020461.4 (MANE Select); coding-DNA position 112, A replaced by T.
Protein change: p.Lys38Ter; replaces lysine 38 with a stop codon.
Molecular consequence: nonsense.
Genome position (GRCh38, 1-based): chr22:50,244,348, T>A on the plus strand (A>T on the coding strand, the complement: TUBGCP6 is on the minus strand). VCF-style: chr22-50244348-T-A. GRCh37 (hg19) VCF-style: chr22-50682777-T-A.
Other names: short protein forms K38*.
Identifiers: ClinVar variation 1454771 (VCV001454771.6), dbSNP rs2147222889, ClinGen allele CA412117144.